The following is an entry in ClinVar:

ClinVar aggregate classification (germline): Uncertain significance (0 of 4 stars; one submission).

Conditions:
COL17A1-related disorder. Also called: COL17A1-related condition.

gnomAD v4.1: 12 of 1,613,990 alleles (0.00074%); highest among the groups gnomAD compares: East Asian, 0.0022%; no homozygotes.

Submission:

PreventionGenetics, part of Exact Sciences
Classification: Uncertain significance for COL17A1-related condition. Last evaluated: 2024-07-02. Review status: no assertion criteria provided. Collection method: clinical testing. Allele origin: germline.
Comment: The COL17A1 c.1894C>T variant is predicted to result in the amino acid substitution p.Arg632Cys. To our knowledge, this variant has not been reported in the literature or in a large population database, indicating this variant is rare. At this time, the clinical significance of this variant is uncertain due to the absence of conclusive functional and genetic evidence.

NM_000494.4(COL17A1):c.1894C>T (p.Arg632Cys)

Gene: COL17A1 (collagen type XVII alpha 1 chain; minus strand). Cytogenetic location: 10q25.1.
Variant type: single nucleotide variant.
Coding change: c.1894C>T on transcript NM_000494.4 (MANE Select); coding-DNA position 1894, C replaced by T.
Protein change: p.Arg632Cys; replaces arginine 632 with cysteine.
Molecular consequence: missense variant.
Genome position (GRCh38, 1-based): chr10:104,053,076, G>A on the plus strand (C>T on the coding strand, the complement: COL17A1 is on the minus strand). VCF-style: chr10-104053076-G-A. GRCh37 (hg19) VCF-style: chr10-105812834-G-A.
Other names: short protein forms R632C.
Identifiers: ClinVar variation 3348705 (VCV003348705.1).